The following is an entry in ClinVar:

NM_000334.4(SCN4A):c.2411C>T (p.Ser804Phe)

Genes: GH-LCR (growth hormone locus control region; plus strand), SCN4A (sodium voltage-gated channel alpha subunit 4; minus strand). Cytogenetic location: 17q23.3.
Variant type: single nucleotide variant.
Coding change: c.2411C>T on transcript NM_000334.4 (MANE Select); coding-DNA position 2411, C replaced by T.
Protein change: p.Ser804Phe; replaces serine 804 with phenylalanine.
Molecular consequence: missense variant.
Genome position (GRCh38, 1-based): chr17:63,951,866, G>A on the plus strand (C>T on the coding strand, the complement: SCN4A is on the minus strand). VCF-style: chr17-63951866-G-A. GRCh37 (hg19) VCF-style: chr17-62029226-G-A.
Other names: short protein forms S804F.
Identifiers: ClinVar variation 5901 (VCV000005901.16), dbSNP rs121908546, ClinGen allele CA117838.

ClinVar aggregate classification (germline): Pathogenic/Likely pathogenic. Review status: criteria provided, multiple submitters, no conflicts (2 of 4 stars). 6 submissions from 5 submitters: Pathogenic (3); Likely pathogenic (1). 2 of the submissions do not count toward it. Last evaluated 2025-06-24.

Conditions:
Myotonia fluctuans. Identifiers: Orphanet 99734, MedGen C0752355, MONDO:0020481.
Paramyotonia congenita/myotonia congenita. Identifiers: MedGen C4016868.
Hyperkalemic periodic paralysis. Also called: Gamstorp disease; Familial hyperkalemic periodic paralysis. Identifiers: Orphanet 682, MedGen C0238357, MONDO:0008224, OMIM 170500, HP:0007215.

Submissions (6):

GeneDx
Classification: Pathogenic. Last evaluated: 2025-06-24. Review status: criteria provided, single submitter. Criteria: GeneDx Variant Classification Process June 2021. Collection method: clinical testing. Allele origin: germline. Affected: yes.
Comment: Reported previously in a family with myotonia and increased creatine kinase (PMID: 7980103); Reported previously as a pathogenic heterozygous variant in a patient with atypical myotonia (PMID: 37273706); Published functional studies demonstrate that p.(S804F) impairs fast inactivation, but does not impact slow inactivation, consistent with other variants associated with potassium myotonia (PMID: 9618291, 9660885, 10682917); In silico analysis supports that this missense variant has a deleterious effect on protein structure/function; Not observed at significant frequency in large population cohorts (gnomAD); This variant is associated with the following publications: (PMID: 23771340, 11744749, 16392038, 9618291, 10682917, 9660885, 7980103, 37273706, 1338909)

Labcorp Genetics (formerly Invitae), Labcorp
Classification: Pathogenic for Hyperkalemic periodic paralysis. Last evaluated: 2023-09-01. Review status: criteria provided, single submitter. Criteria: Invitae Variant Classification Sherloc (09022015). Collection method: clinical testing. Allele origin: germline.
Comment: This sequence change replaces serine, which is neutral and polar, with phenylalanine, which is neutral and non-polar, at codon 804 of the SCN4A protein (p.Ser804Phe). This variant is not present in population databases (gnomAD no frequency). This missense change has been observed in individual(s) with autosomal dominant paramyotonia congenita and/or myotonia congenita (PMID: 1338909, 7980103). It has also been observed to segregate with disease in related individuals. ClinVar contains an entry for this variant (Variation ID: 5901). Advanced modeling of protein sequence and biophysical properties (such as structural, functional, and spatial information, amino acid conservation, physicochemical variation, residue mobility, and thermodynamic stability) performed at Invitae indicates that this missense variant is expected to disrupt SCN4A protein function. Experimental studies are conflicting or provide insufficient evidence to determine the effect of this variant on SCN4A function (PMID: 9618291, 10682917, 11744749, 16392038). For these reasons, this variant has been classified as Pathogenic.

Athena Diagnostics
Classification: Pathogenic. Last evaluated: 2021-03-23. Review status: criteria provided, single submitter. Criteria: Athena Diagnostics criteria. Collection method: clinical testing. Allele origin: unknown.
Comment: This variant has not been reported in large, multi-ethnic general populations. This variant segregates with disease in at least one family. Assessment of experimental evidence suggests this variant results in abnormal protein function. This variant was shown to disrupt skeletal muscle sodium channel inactivation through alterations in voltage dependent gating. (PMID: 9618291, 9660885, 10682917)

Revvity Omics, Revvity
Classification: Likely pathogenic. Last evaluated: 2021-02-18. Review status: criteria provided, single submitter. Criteria: ACMG Guidelines, 2015. Collection method: clinical testing. Allele origin: germline.

OMIM
Classification: Pathogenic for PARAMYOTONIA CONGENITA/MYOTONIA CONGENITA. Last evaluated: 1994-11-01. Review status: no assertion criteria provided. Collection method: literature only. Allele origin: germline. Not counted in ClinVar's aggregate classification.

OMIM
Classification: Pathogenic for MYOTONIA FLUCTUANS. Last evaluated: 1994-11-01. Review status: no assertion criteria provided. Collection method: literature only. Allele origin: germline. Not counted in ClinVar's aggregate classification.

Literature cited by the submitters: PubMed 1338909 (cited by 3 submitters); PubMed 7980103 (cited by 3 submitters); PubMed 9618291 (cited by Labcorp Genetics (formerly Invitae), Labcorp and Athena Diagnostics); PubMed 10682917 (cited by Labcorp Genetics (formerly Invitae), Labcorp and Athena Diagnostics); PubMed 11744749 (cited by Labcorp Genetics (formerly Invitae), Labcorp and Athena Diagnostics); PubMed 16392038 (cited by Labcorp Genetics (formerly Invitae), Labcorp); PubMed 23771340 (cited by Athena Diagnostics); PubMed 9660885 (cited by Athena Diagnostics).